The following is an entry in ClinVar:

ClinVar aggregate classification (germline): Pathogenic (1 of 4 stars; one submission).

Conditions:
Wilson disease (WND). Also called: Wilson's disease. Identifiers: Orphanet 905, MedGen C0019202, MONDO:0010200, OMIM 277900. Disease mechanism: loss of function.

gnomAD v4.1: 2 of 1,614,044 alleles (0.00012%); highest among the groups gnomAD compares: South Asian, 0.0022%; no homozygotes.

Submission:

Labcorp Genetics (formerly Invitae), Labcorp
Classification: Pathogenic for Wilson disease. Last evaluated: 2026-01-07. Review status: criteria provided, single submitter. Criteria: Invitae Variant Classification Sherloc (09022015). Collection method: clinical testing. Allele origin: germline.
Comment: This sequence change creates a premature translational stop signal (p.Ser932*) in the ATP7B gene. It is expected to result in an absent or disrupted protein product. Loss-of-function variants in ATP7B are known to be pathogenic (PMID: 10441329, 16283883). This variant is not present in population databases (gnomAD no frequency). This premature translational stop signal has been observed in individual(s) with Wilson disease (PMID: 15024742, 35220961). For these reasons, this variant has been classified as Pathogenic.

Literature cited by the submitters: PubMed 10441329; PubMed 16283883; PubMed 15024742; PubMed 35220961.

NM_000053.4(ATP7B):c.2795C>G (p.Ser932Ter)

Gene: ATP7B (ATPase copper transporting beta; minus strand). Cytogenetic location: 13q14.3.
Variant type: single nucleotide variant.
Coding change: c.2795C>G on transcript NM_000053.4 (MANE Select); coding-DNA position 2795, C replaced by G.
Protein change: p.Ser932Ter; replaces serine 932 with a stop codon.
Molecular consequence: nonsense. On other transcripts: intron variant (1).
Genome position (GRCh38, 1-based): chr13:51,949,732, G>C on the plus strand (C>G on the coding strand, the complement: ATP7B is on the minus strand). VCF-style: chr13-51949732-G-C. GRCh37 (hg19) VCF-style: chr13-52523868-G-C.
Other names: c.2543C>G, p.Ser848Ter (NM_001330579.2); c.2244+275C>G (NM_001005918.3); c.2462C>G, p.Ser821Ter (NM_001243182.2); c.2561C>G, p.Ser854Ter (NM_001330578.2); short protein forms S821*, S848*, S854*, S932*.
Identifiers: ClinVar variation 4734864 (VCV004734864.1), dbSNP rs1566498495.